The following is an entry in ClinVar:

NM_006514.4(SCN10A):c.2203A>G (p.Ile735Val)

Gene: SCN10A (sodium voltage-gated channel alpha subunit 10; minus strand). Cytogenetic location: 3p22.2.
Variant type: single nucleotide variant.
Coding change: c.2203A>G on transcript NM_006514.4 (MANE Select); coding-DNA position 2203, A replaced by G.
Protein change: p.Ile735Val; replaces isoleucine 735 with valine.
Molecular consequence: missense variant.
Genome position (GRCh38, 1-based): chr3:38,739,592, T>C on the plus strand (A>G on the coding strand, the complement: SCN10A is on the minus strand). VCF-style: chr3-38739592-T-C. GRCh37 (hg19) VCF-style: chr3-38781083-T-C.
Other names: c.2203A>G, p.Ile735Val (NM_001293306.2); c.1909A>G, p.Ile637Val (NM_001293307.2); short protein forms I637V, I735V.
Identifiers: ClinVar variation 3316532 (VCV003316532.1).

ClinVar aggregate classification (germline): Uncertain significance (1 of 4 stars; one submission).

Conditions:
Cardiovascular phenotype. Identifiers: MedGen CN230736.

Submission:

Ambry Genetics
Classification: Uncertain significance for Cardiovascular phenotype. Last evaluated: 2024-06-17. Review status: criteria provided, single submitter. Criteria: Ambry Variant Classification Scheme 2023. Collection method: clinical testing. Allele origin: germline.
Comment: The p.I735V variant (also known as c.2203A>G), located in coding exon 14 of the SCN10A gene, results from an A to G substitution at nucleotide position 2203. The isoleucine at codon 735 is replaced by valine, an amino acid with highly similar properties. This amino acid position is conserved. In addition, this alteration is predicted to be tolerated by in silico analysis. Based on the available evidence, the clinical significance of this variant remains unclear.